The following is an entry in ClinVar:

NM_177438.3(DICER1):c.3257del (p.Pro1086fs)

Gene: DICER1 (dicer 1, ribonuclease III; minus strand). Cytogenetic location: 14q32.13.
Variant type: Deletion.
Coding change: c.3257del on transcript NM_177438.3 (MANE Select); coding-DNA position 3257, one base deleted (C; older notation c.3257delC).
Protein change: p.Pro1086fs; shifts the reading frame from proline 1086.
Molecular consequence: frameshift variant. On other transcripts: non-coding transcript variant (6).
Genome position (GRCh38, 1-based): chr14:95,105,083, G deleted on the plus strand (C on the coding strand, the reverse complement: DICER1 is on the minus strand); the first of 2 consecutive G bases (chr14:95,105,083-95,105,084); deleting either gives the same sequence. VCF-style (leftmost placement, unchanged base first): chr14-95105082-AG-A. GRCh37 (hg19) VCF-style: chr14-95571419-AG-A.
Other names: c.3257del, p.Pro1086fs (NM_001195573.1, NM_001271282.3, NM_001291628.2 and 12 more transcripts); c.3256delC, p.Pro1086Leufs (NM_001395681.1); c.2975del, p.Pro992fs (NM_001395686.1); c.2852del, p.Pro951fs (NM_001395687.1, NM_001395688.1, NM_001395689.1 and 2 more transcripts); c.2690del, p.Pro897fs (NM_001395691.1); c.1574del, p.Pro525fs (NM_001395697.1); short protein forms P1086fs, P525fs, P951fs, P897fs, P992fs.
Identifiers: ClinVar variation 2848468 (VCV002848468.3), dbSNP rs2542750613, ClinGen allele CA2626315646.

ClinVar aggregate classification (germline): Pathogenic (1 of 4 stars; one submission).

Conditions:
DICER1-related tumor predisposition. Also called: DICER1-related pleuropulmonary blastoma cancer predisposition syndrome; DICER1 syndrome. Identifiers: Orphanet 284343, MedGen C3839822, MONDO:0100216.

Submission:

Labcorp Genetics (formerly Invitae), Labcorp
Classification: Pathogenic for DICER1-related tumor predisposition. Last evaluated: 2023-06-05. Review status: criteria provided, single submitter. Criteria: Invitae Variant Classification Sherloc (09022015). Collection method: clinical testing. Allele origin: germline.
Comment: This variant is not present in population databases (gnomAD no frequency). This sequence change creates a premature translational stop signal (p.Pro1086Leufs*9) in the DICER1 gene. It is expected to result in an absent or disrupted protein product. Loss-of-function variants in DICER1 are known to be pathogenic (PMID: 19556464, 21266384). This variant has not been reported in the literature in individuals affected with DICER1-related conditions. For these reasons, this variant has been classified as Pathogenic.

Literature cited by the submitters: PubMed 19556464; PubMed 21266384.